The following is an entry in ClinVar:

ClinVar aggregate classification (germline): Uncertain significance (1 of 4 stars; one submission).

Conditions:
Hereditary cancer-predisposing syndrome. Also called: Tumor predisposition; Hereditary Cancer Syndrome; Hereditary neoplastic syndrome; Neoplastic Syndromes, Hereditary. Identifiers: Orphanet 140162, MedGen C0027672, MeSH D009386, MONDO:0015356.

Submission:

Ambry Genetics
Classification: Uncertain significance for Hereditary cancer-predisposing syndrome. Last evaluated: 2024-06-12. Review status: criteria provided, single submitter. Criteria: Ambry Variant Classification Scheme 2023. Collection method: clinical testing. Allele origin: germline.
Comment: The p.T1023R variant (also known as c.3068C>G), located in coding exon 15 of the APC gene, results from a C to G substitution at nucleotide position 3068. The threonine at codon 1023 is replaced by arginine, an amino acid with similar properties. This amino acid position is conserved. In addition, in silico predictors for this gene do not accurately predict pathogenicity. Based on the available evidence, the clinical significance of this variant remains unclear.

NM_000038.6(APC):c.3068C>G (p.Thr1023Arg)

Gene: APC (APC regulator of Wnt signaling pathway; plus strand). Cytogenetic location: 5q22.2.
Variant type: single nucleotide variant.
Coding change: c.3068C>G on transcript NM_000038.6 (MANE Select); coding-DNA position 3068, C replaced by G.
Protein change: p.Thr1023Arg; replaces threonine 1023 with arginine.
Molecular consequence: missense variant. On other transcripts: non-coding transcript variant (2).
Genome position (GRCh38, 1-based): chr5:112,838,662, C>G. VCF-style: chr5-112838662-C-G. GRCh37 (hg19) VCF-style: chr5-112174359-C-G.
Other names: c.3068C>G, p.Thr1023Arg (NM_001127510.3, NM_001354895.2, NM_001407450.1); c.3014C>G, p.Thr1005Arg (NM_001127511.3); c.3122C>G, p.Thr1041Arg (NM_001354896.2, NM_001407447.1, NM_001407448.1 and 1 more transcripts); c.3098C>G, p.Thr1033Arg (NM_001354897.2); c.2993C>G, p.Thr998Arg (NM_001354898.2); c.2984C>G, p.Thr995Arg (NM_001354899.2); c.2945C>G, p.Thr982Arg (NM_001354900.2); c.2891C>G, p.Thr964Arg (NM_001354901.2, NM_001407453.1); and 11 more; short protein forms T1033R, T740R, T894R, T964R, T1005R, T1013R, T1051R, T897R.
Identifiers: ClinVar variation 3305808 (VCV003305808.1).